The following is an entry in ClinVar:

NM_001113378.2(FANCI):c.1349C>G (p.Thr450Ser)

Gene: FANCI (FA complementation group I; plus strand). Cytogenetic location: 15q26.1.
Variant type: single nucleotide variant.
Coding change: c.1349C>G on transcript NM_001113378.2 (MANE Select); coding-DNA position 1349, C replaced by G.
Protein change: p.Thr450Ser; replaces threonine 450 with serine.
Molecular consequence: missense variant.
Genome position (GRCh38, 1-based): chr15:89,278,742, C>G. VCF-style: chr15-89278742-C-G. GRCh37 (hg19) VCF-style: chr15-89821973-C-G.
Other names: c.1070C>G, p.Thr357Ser (NM_001376910.1); c.1349C>G, p.Thr450Ser (NM_001376911.1, NM_018193.3); short protein forms T357S, T450S.
Identifiers: ClinVar variation 2977781 (VCV002977781.3), dbSNP rs1294189131, ClinGen allele CA393743278.

ClinVar aggregate classification (germline): Uncertain significance (1 of 4 stars; one submission).

Conditions:
Fanconi anemia (FA). Also called: Fanconi's anemia. Identifiers: Orphanet 84, MedGen C0015625, MeSH D005199, MONDO:0019391.

Allele frequency attached by ClinVar (database versions not stated): gnomAD 0.00001.
gnomAD v4.1: 1 of 1,613,622 alleles (0.000062%); highest among the groups gnomAD compares: Non-Finnish European, 0.000085%; no homozygotes.

Submission:

Labcorp Genetics (formerly Invitae), Labcorp
Classification: Uncertain significance for Fanconi anemia. Last evaluated: 2023-09-26. Review status: criteria provided, single submitter. Criteria: Invitae Variant Classification Sherloc (09022015). Collection method: clinical testing. Allele origin: germline.
Comment: In summary, the available evidence is currently insufficient to determine the role of this variant in disease. Therefore, it has been classified as a Variant of Uncertain Significance. Algorithms developed to predict the effect of sequence changes on RNA splicing suggest that this variant may disrupt the consensus splice site. Algorithms developed to predict the effect of missense changes on protein structure and function output the following: SIFT: "Not Available"; PolyPhen-2: "Benign"; Align-GVGD: "Not Available". The serine amino acid residue is found in multiple mammalian species, which suggests that this missense change does not adversely affect protein function. This variant has not been reported in the literature in individuals affected with FANCI-related conditions. The frequency data for this variant in the population databases is considered unreliable, as metrics indicate poor data quality at this position in the gnomAD database. This sequence change replaces threonine, which is neutral and polar, with serine, which is neutral and polar, at codon 450 of the FANCI protein (p.Thr450Ser).